The following is an entry in ClinVar:

ClinVar aggregate classification (germline): Pathogenic. Review status: criteria provided, multiple submitters, no conflicts (2 of 4 stars). 2 submissions from 2 submitters: Pathogenic (2). Last evaluated 2023-04-27.

Conditions:
Familial adenomatous polyposis 1 (FAP1). Also called: POLYPOSIS, ADENOMATOUS INTESTINAL; FAMILIAL ADENOMATOUS POLYPOSIS 1, ATTENUATED. Identifiers: MedGen C2713442, MONDO:0021056, OMIM 175100. Disease mechanism: loss of function.

Submissions (2):

Myriad Genetics, Inc.
Classification: Pathogenic for Familial adenomatous polyposis 1. Last evaluated: 2023-04-27. Review status: criteria provided, single submitter. Criteria: Myriad Autosomal Dominant, Autosomal Recessive and X-Linked Classification Criteria (2023). Collection method: clinical testing. Allele origin: unknown.
Comment: This variant is considered pathogenic. This variant creates a frameshift predicted to result in premature protein truncation.

Labcorp Genetics (formerly Invitae), Labcorp
Classification: Pathogenic for Familial adenomatous polyposis 1. Last evaluated: 2022-04-01. Review status: criteria provided, single submitter. Criteria: Invitae Variant Classification Sherloc (09022015). Collection method: clinical testing. Allele origin: germline.
Comment: This sequence change creates a premature translational stop signal (p.Arg303Serfs*2) in the APC gene. It is expected to result in an absent or disrupted protein product. Loss-of-function variants in APC are known to be pathogenic (PMID: 17963004, 20685668). This variant is not present in population databases (gnomAD no frequency). This variant has not been reported in the literature in individuals affected with APC-related conditions. For these reasons, this variant has been classified as Pathogenic.

Literature cited by the submitters: PubMed 17963004 (cited by Labcorp Genetics (formerly Invitae), Labcorp); PubMed 20685668 (cited by Labcorp Genetics (formerly Invitae), Labcorp).

NM_000038.6(APC):c.909del (p.Arg303fs)

Gene: APC (APC regulator of Wnt signaling pathway; plus strand). Cytogenetic location: 5q22.2.
Variant type: Deletion.
Coding change: c.909del on transcript NM_000038.6 (MANE Select); coding-DNA position 909, one base deleted (G; older notation c.909delG).
Protein change: p.Arg303fs; shifts the reading frame from arginine 303.
Molecular consequence: frameshift variant.
Genome position (GRCh38, 1-based): chr5:112,815,569, G deleted; the last of 2 consecutive G bases (chr5:112,815,568-112,815,569); deleting either gives the same sequence. VCF-style (leftmost placement, unchanged base first): chr5-112815567-AG-A. GRCh37 (hg19) VCF-style: chr5-112151264-AG-A.
Other names: c.909del, p.Arg303fs (NM_001127510.3, NM_001354895.2, NM_001354896.2 and 1 more transcripts); c.855del, p.Arg285fs (NM_001127511.3); c.939del, p.Arg313fs (NM_001354897.2, NM_001354902.2); c.834del, p.Arg278fs (NM_001354898.2, NM_001354904.2); c.825del, p.Arg275fs (NM_001354899.2); c.732del, p.Arg244fs (NM_001354900.2, NM_001354901.2, NM_001354905.2); c.60del, p.Arg20fs (NM_001354906.2); c.939delG, p.Arg313Serfs (NM_001407446.1); and 5 more; short protein forms R244fs, R275fs, R278fs, R313fs, R20fs, R303fs, R285fs.
Identifiers: ClinVar variation 2120698 (VCV002120698.6), dbSNP rs2532971679, ClinGen allele CA2580072295.